The following is an entry in ClinVar:

ClinVar aggregate classification (germline): Pathogenic (1 of 4 stars; one submission).

Conditions:
3-methylcrotonyl-CoA carboxylase 2 deficiency. Also called: METHYLCROTONYLGLYCINURIA, TYPE II; 3 alpha methylcrotonyl-CoA carboxylase 2 deficiency; 3 alpha methylcrotonylglycinuria 2; MCC 2 deficiency; Methylcrotonylglycinuria type 2. Identifiers: Orphanet 6, MedGen C1859499, MONDO:0008862, OMIM 210210.

Submission:

Labcorp Genetics (formerly Invitae), Labcorp
Classification: Pathogenic for 3-methylcrotonyl-CoA carboxylase 2 deficiency. Last evaluated: 2020-07-19. Review status: criteria provided, single submitter. Criteria: Invitae Variant Classification Sherloc (09022015). Collection method: clinical testing. Allele origin: germline.
Comment: This variant is an out-of-frame deletion of the genomic region encompassing exon 11 of the MCCC2 gene. This is expected to create a premature translational stop signal and result in an absent or disrupted protein product. This variant has not been reported in the literature in individuals with MCCC2-related conditions. Loss-of-function variants in MCCC2 are known to be pathogenic (PMID: 11181649, 22642865). For these reasons, this variant has been classified as Pathogenic.

Literature cited by the submitters: PubMed 11181649; PubMed 22642865.

NC_000005.9:g.(?_70936810)_(70936922_?)del

Gene: MCCC2 (methylcrotonyl-CoA carboxylase subunit 2; plus strand). Cytogenetic location: 5q13.2.
Variant type: Deletion.
Identifiers: ClinVar variation 1073302 (VCV001073302.5).